The following is an entry in ClinVar:

ClinVar aggregate classification (germline): Uncertain significance (1 of 4 stars; one submission).

Conditions:
Cardiovascular phenotype. Identifiers: MedGen CN230736.

Allele frequency attached by ClinVar (database versions not stated): gnomAD exomes below 0.00001.
gnomAD v4.1: 1 of 1,613,484 alleles (0.000062%); highest among the groups gnomAD compares: Non-Finnish European, 0.000085%; no homozygotes.

Submission:

Ambry Genetics
Classification: Uncertain significance for Cardiovascular phenotype. Last evaluated: 2022-08-24. Review status: criteria provided, single submitter. Criteria: Ambry Variant Classification Scheme 2023. Collection method: clinical testing. Allele origin: germline.
Comment: The p.D2852G variant (also known as c.8555A>G), located in coding exon 24 of the TNXB gene, results from an A to G substitution at nucleotide position 8555. The aspartic acid at codon 2852 is replaced by glycine, an amino acid with similar properties. This amino acid position is conserved. In addition, this alteration is predicted to be tolerated by in silico analysis. Since supporting evidence is limited at this time, the clinical significance of this alteration remains unclear.

NM_001365276.2(TNXB):c.8561A>G (p.Asp2854Gly)

Gene: TNXB (tenascin XB; minus strand). Cytogenetic location: 6p21.33.
Variant type: single nucleotide variant.
Coding change: c.8561A>G on transcript NM_001365276.2 (MANE Select); coding-DNA position 8561, A replaced by G.
Protein change: p.Asp2854Gly; replaces aspartic acid 2854 with glycine.
Molecular consequence: missense variant.
Genome position (GRCh38, 1-based): chr6:32,053,618, T>C on the plus strand (A>G on the coding strand, the complement: TNXB is on the minus strand). VCF-style: chr6-32053618-T-C. GRCh37 (hg19) VCF-style: chr6-32021395-T-C.
Other names: c.8555A>G, p.Asp2852Gly (NM_019105.8); short protein forms D2852G, D2854G.
Identifiers: ClinVar variation 1763833 (VCV001763833.2), dbSNP rs2483453921, ClinGen allele CA363547254.